The following is an entry in ClinVar:

NM_000551.4(VHL):c.-39_-10del

Gene: VHL (von Hippel-Lindau tumor suppressor; plus strand). Cytogenetic location: 3p25.3.
Variant type: Deletion.
Coding change: c.-39_-10del on transcript NM_000551.4 (MANE Select); 39 bases upstream of the start codon through 10 bases upstream of the start codon, 30 bases deleted (CCGCGGCGTCCGGCCCGGGTGGTCTGGATC).
Molecular consequence: 5 prime UTR variant. On other transcripts: non-coding transcript variant (1).
Genome position (GRCh38, 1-based): chr3:10,141,809-10,141,838, CCGCGGCGTCCGGCCCGGGTGGTCTGGATC deleted; deleting any 30 consecutive bases within chr3:10,141,804-10,141,838 gives the same sequence; the c. name uses the placement nearest the transcript's 3' end. VCF-style (leftmost placement, unchanged base first): chr3-10141803-CGGATCCCGCGGCGTCCGGCCCGGGTGGTCT-C. GRCh37 (hg19) VCF-style: chr3-10183487-CGGATCCCGCGGCGTCCGGCCCGGGTGGTCT-C.
Other names: c.-39_-10del (NM_001354723.2, NM_198156.3).
Identifiers: ClinVar variation 2928001 (VCV002928001.5), dbSNP rs2470156742, ClinGen allele CA2577505226.
Genomic context (GRCh38, chr3:10,141,803, plus strand): 5'-GCGAAGACTACGGAGGTCGACTCGGGAGCGCGCACGCAGCTCCGCCCCGCGTCCGACCCG[CGGATCCCGCGGCGTCCGGCCCGGGTGGTCT>C]GGATCGCGGAGGGAATGCCCCGGAGGGCGGAGAACTGGGACGAGGCCGAGGTAGGCGCGG-3'

ClinVar aggregate classification (germline): Uncertain significance. Review status: criteria provided, multiple submitters, no conflicts (2 of 4 stars). 2 submissions from 2 submitters: Uncertain significance (2). Last evaluated 2025-08-06.

Conditions:
Von Hippel-Lindau syndrome (VHLS). Also called: von Hippel–Lindau syndrome; VHL syndrome; Von Hippel-Lindau. Identifiers: Orphanet 892, MedGen C0019562, MONDO:0008667, OMIM 193300. Disease mechanism: loss of function.
Chuvash polycythemia. Also called: POLYCYTHEMIA, VHL-DEPENDENT. Identifiers: Orphanet 238557, MedGen C1837915, MONDO:0009892, OMIM 263400.

Submissions (2):

Labcorp Genetics (formerly Invitae), Labcorp
Classification: Uncertain significance for Von Hippel-Lindau syndrome; Chuvash polycythemia. Last evaluated: 2025-08-06. Review status: criteria provided, single submitter. Criteria: Invitae Variant Classification Sherloc (09022015). Collection method: clinical testing. Allele origin: germline.
Comment: This variant occurs in a non-coding region of the VHL gene. It does not change the encoded amino acid sequence of the VHL protein. This variant is not present in population databases (gnomAD no frequency). This variant has not been reported in the literature in individuals affected with VHL-related conditions. ClinVar contains an entry for this variant (Variation ID: 2928001). Experimental studies and prediction algorithms are not available or were not evaluated, and the functional significance of this variant is currently unknown. In summary, the available evidence is currently insufficient to determine the role of this variant in disease. Therefore, it has been classified as a Variant of Uncertain Significance.

All of Us Research Program, National Institutes of Health
Classification: Uncertain significance for Von Hippel-Lindau syndrome. Last evaluated: 2024-06-09. Review status: criteria provided, single submitter. Criteria: ACMG Guidelines, 2015. Collection method: clinical testing. Allele origin: germline. Inheritance: Autosomal dominant inheritance. Observed: 2 variant alleles, 2 heterozygotes.
Comment: This variant causes a 30-nucleotide deletion in the 5' untranslated region of the VHL gene. To our knowledge, functional studies have not been reported for this variant. This variant has not been reported in individuals affected with VHL-related disorders in the literature. This variant has not been identified in the general population by the Genome Aggregation Database (gnomAD). The available evidence is insufficient to determine the role of this variant in disease conclusively. Therefore, this variant is classified as a Variant of Uncertain Significance.

This study involves interpretation of variants in research participants for the purpose of population health screening. Participant phenotype was not available at the time of variant classification. Additional details can be found in publication PMID: 35346344, PMCID: PMC8962531